The following is an entry in ClinVar:

ClinVar aggregate classification (germline): Conflicting classifications of pathogenicity. Review status: criteria provided, conflicting classifications (1 of 4 stars). 2 submissions from 2 submitters: Uncertain significance (1); Benign (1). Last evaluated 2026-01-16.

Submissions (2):

Labcorp Genetics (formerly Invitae), Labcorp
Classification: Benign. Last evaluated: 2026-01-16. Review status: criteria provided, single submitter. Criteria: Invitae Variant Classification Sherloc (09022015). Collection method: clinical testing. Allele origin: germline.

GeneDx
Classification: Uncertain significance. Last evaluated: 2024-08-20. Review status: criteria provided, single submitter. Criteria: GeneDx Variant Classification Process June 2021. Collection method: clinical testing. Allele origin: germline. Affected: yes.
Comment: In silico analysis supports that this missense variant has a deleterious effect on protein structure/function; Has not been previously published as pathogenic or benign to our knowledge

NM_003126.4(SPTA1):c.3932T>C (p.Met1311Thr)

Gene: SPTA1 (spectrin alpha, erythrocytic 1; minus strand). Cytogenetic location: 1q23.1.
Variant type: single nucleotide variant.
Coding change: c.3932T>C on transcript NM_003126.4 (MANE Select); coding-DNA position 3932, T replaced by C.
Protein change: p.Met1311Thr; replaces methionine 1311 with threonine.
Molecular consequence: missense variant.
Genome position (GRCh38, 1-based): chr1:158,645,559, A>G on the plus strand (T>C on the coding strand, the complement: SPTA1 is on the minus strand). VCF-style: chr1-158645559-A-G. GRCh37 (hg19) VCF-style: chr1-158615349-A-G.
Other names: c.3932T>C (NM_003126.2); short protein forms M1311T.
Identifiers: ClinVar variation 3626759 (VCV003626759.3).